The following is an entry in ClinVar:

NM_001206744.2(TPO):c.1558C>T (p.His520Tyr)

Gene: TPO (thyroid peroxidase; plus strand). Cytogenetic location: 2p25.3.
Variant type: single nucleotide variant.
Coding change: c.1558C>T on transcript NM_001206744.2 (MANE Select); coding-DNA position 1558, C replaced by T.
Protein change: p.His520Tyr; replaces histidine 520 with tyrosine.
Molecular consequence: missense variant.
Genome position (GRCh38, 1-based): chr2:1,484,815, C>T. VCF-style: chr2-1484815-C-T. GRCh37 (hg19) VCF-style: chr2-1488587-C-T.
Other names: c.1558C>T, p.His520Tyr (NM_000547.6, NM_001206745.2, NM_175719.4 and 1 more transcripts); c.1039C>T, p.His347Tyr (NM_175722.3); short protein forms H520Y, H347Y.
Identifiers: ClinVar variation 374178 (VCV000374178.4), dbSNP rs1057518950, ClinGen allele CA16043375.

ClinVar aggregate classification (germline): Likely pathogenic. Review status: criteria provided, single submitter (1 of 4 stars). 2 submissions from 1 submitter: Likely pathogenic (2). Last evaluated 2016-01-01.

Conditions:
Deficiency of iodide peroxidase (TDH2A). Also called: Thyroid dyshormonogenesis 2A; THYROID HORMONOGENESIS, GENETIC DEFECT IN, 2A; THYROID PEROXIDASE DEFICIENCY; HYPOTHYROIDISM, CONGENITAL, DUE TO DYSHORMONOGENESIS, 2A; IODIDE PEROXIDASE DEFICIENCY. Identifiers: Orphanet 95716, MedGen C1291299, MONDO:0010133, OMIM 274500.
Delayed gross motor development. Identifiers: MedGen C1837658, HP:0002194.
Protruding tongue. Identifiers: MedGen C0241442, HP:0010808.
Severe intellectual disability. Identifiers: MedGen C0036857, HP:0010864.
Global developmental delay (DD). Also called: Cognitive delay. Identifiers: MedGen C0557874, HP:0001263. Disease mechanism: loss of function.
Congenital hypothyroidism. Identifiers: Orphanet 442, MedGen C0010308, MONDO:0018612, HP:0000851.
Short stature. Identifiers: MedGen C0349588, HP:0004322.
Delayed speech and language development. Also called: Language delay. Identifiers: MedGen C0454644, HP:0000750.

Allele frequency attached by ClinVar (database versions not stated): gnomAD exomes below 0.00001.

Submissions (2):

Centre for Mendelian Genomics, University Medical Centre Ljubljana
Classification: Likely pathogenic for Deficiency of iodide peroxidase. Last evaluated: 2016-01-01. Review status: criteria provided, single submitter. Criteria: ACMG Guidelines, 2015. Collection method: clinical testing. Allele origin: unknown. Affected: yes.
Comment: This variant was classified as: Likely pathogenic. This variant was detected in homozygous state.

Centre for Mendelian Genomics, University Medical Centre Ljubljana
Classification: Likely pathogenic for Congenital hypothyroidism; Delayed gross motor development; Delayed speech and language development; Global developmental delay; Severe intellectual disability; Protruding tongue; Short stature. Last evaluated: 2014-08-01. Review status: criteria provided, single submitter. Criteria: ACMG Guidelines, 2015. Collection method: clinical testing. Allele origin: unknown. Affected: yes.